The following is an entry in ClinVar:

ClinVar aggregate classification (germline): Uncertain significance. Review status: criteria provided, multiple submitters, no conflicts (2 of 4 stars). 6 submissions from 6 submitters: Uncertain significance (6). Last evaluated 2025-03-14.

Conditions:
Inborn genetic diseases. Identifiers: MedGen C0950123, MeSH D030342.
Charcot-Marie-Tooth disease type 4. Also called: Charcot-Marie-Tooth disease, type IV; Charcot-Marie-Tooth, Type 4. Identifiers: Orphanet 64749, MedGen C4082197, MONDO:0018995.

Allele frequency attached by ClinVar (database versions not stated): ExAC 0.00007; gnomAD exomes 0.00010 and 0.00011; gnomAD 0.00012 and 0.00015; TOPMed 0.00012; ESP Exome Variant Server 0.00015.
gnomAD v4.1: 176 of 1,613,314 alleles (0.011%); highest among the groups gnomAD compares: Non-Finnish European, 0.014%; no homozygotes.

Submissions (6):

Athena Diagnostics
Classification: Uncertain significance. Last evaluated: 2025-03-14. Review status: criteria provided, single submitter. Criteria: Athena Diagnostics Criteria. Collection method: clinical testing. Allele origin: unknown.
Comment: Available data are insufficient to determine the clinical significance of the variant at this time. The frequency of this variant in the general population is uninformative in assessment of its pathogenicity. Polyphen and MutationTaster yielded discordant predictions regarding whether this amino acid change is damaging to the protein.

Ambry Genetics
Classification: Uncertain significance for Inborn genetic diseases. Last evaluated: 2025-02-26. Review status: criteria provided, single submitter. Criteria: Ambry Variant Classification Scheme 2023. Collection method: clinical testing. Allele origin: germline.

Labcorp Genetics (formerly Invitae), Labcorp
Classification: Uncertain significance for Charcot-Marie-Tooth disease type 4. Last evaluated: 2024-12-16. Review status: criteria provided, single submitter. Criteria: Invitae Variant Classification Sherloc (09022015). Collection method: clinical testing. Allele origin: germline.
Comment: This sequence change replaces aspartic acid, which is acidic and polar, with glycine, which is neutral and non-polar, at codon 521 of the FGD4 protein (p.Asp521Gly). This variant is present in population databases (rs141237776, gnomAD 0.02%). This variant has not been reported in the literature in individuals affected with FGD4-related conditions. ClinVar contains an entry for this variant (Variation ID: 235447). Invitae Evidence Modeling of protein sequence and biophysical properties (such as structural, functional, and spatial information, amino acid conservation, physicochemical variation, residue mobility, and thermodynamic stability) indicates that this missense variant is not expected to disrupt FGD4 protein function with a negative predictive value of 80%. In summary, the available evidence is currently insufficient to determine the role of this variant in disease. Therefore, it has been classified as a Variant of Uncertain Significance.

GeneDx
Classification: Uncertain significance. Last evaluated: 2024-09-10. Review status: criteria provided, single submitter. Criteria: GeneDx Variant Classification Process June 2021. Collection method: clinical testing. Allele origin: germline. Affected: yes.
Comment: In silico analysis supports that this missense variant has a deleterious effect on protein structure/function; Has not been previously published as pathogenic or benign to our knowledge; This variant is associated with the following publications: (PMID: 27582484, 22734899)

CeGaT Center for Human Genetics Tuebingen
Classification: Uncertain significance. Last evaluated: 2019-05-01. Review status: criteria provided, single submitter. Criteria: CeGaT Center For Human Genetics Tuebingen Variant Classification Criteria Version 2. Collection method: clinical testing. Allele origin: germline. Affected: yes. Observed: 1 variant allele.

Center for Pediatric Genomic Medicine, Children's Mercy Hospital and Clinics
Classification: Uncertain significance. Last evaluated: 2016-01-21. Review status: criteria provided, single submitter. Criteria: ACMG Guidelines, 2015. Collection method: clinical testing. Allele origin: germline.
ClinVar note: Converted during submission from Uncertain Significance to Uncertain significance.

NM_001370298.3(FGD4):c.1973A>G (p.Asp658Gly)

Gene: FGD4 (FYVE, RhoGEF and PH domain containing 4; plus strand). Cytogenetic location: 12p11.21.
Variant type: single nucleotide variant.
Coding change: c.1973A>G on transcript NM_001370298.3 (MANE Select); coding-DNA position 1973, A replaced by G.
Protein change: p.Asp658Gly; replaces aspartic acid 658 with glycine.
Molecular consequence: missense variant.
Genome position (GRCh38, 1-based): chr12:32,624,995, A>G. VCF-style: chr12-32624995-A-G. GRCh37 (hg19) VCF-style: chr12-32777929-A-G.
Other names: c.1817A>G, p.Asp606Gly (NM_001304481.2); c.818A>G, p.Asp273Gly (NM_001304483.2); c.530A>G, p.Asp177Gly (NM_001304484.2); c.1283A>G, p.Asp428Gly (NM_001330373.2, NM_001330374.2, NM_001384130.1); c.1010A>G, p.Asp337Gly (NM_001370297.1); c.1973A>G, p.Asp658Gly (NM_001384126.1); c.1562A>G, p.Asp521Gly (NM_001384127.1, NM_001384128.1, NM_001385118.1 and 1 more transcripts); short protein forms D521G, D606G, D177G, D273G, D428G, D337G, D658G.
Identifiers: ClinVar variation 235447 (VCV000235447.56), dbSNP rs141237776, ClinGen allele CA6506959.